The following is an entry in ClinVar:

ClinVar aggregate classification (germline): Uncertain significance. Review status: criteria provided, multiple submitters, no conflicts (2 of 4 stars). 5 submissions from 5 submitters: Uncertain significance (5). Last evaluated 2025-11-26.

Conditions:
Inborn genetic diseases. Identifiers: MedGen C0950123, MeSH D030342.
Epidermolysis bullosa simplex 7, with nephropathy and deafness. Also called: Nephropathy with Pretibial Epidermolysis Bullosa and Deafness; Nephrotic syndrome - deafness - pretibial epidermolysis bullosa syndrome. Identifiers: Orphanet 300333, MedGen C1836823, MONDO:0012190, OMIM 609057.
RAPH BLOOD GROUP SYSTEM. Also called: MER2 BLOOD CELL ANTIGEN EXPRESSION. Identifiers: MedGen C1867341, OMIM 179620.

Allele frequency attached by ClinVar (database versions not stated): 1000 Genomes Project 30x 0.00016; 1000 Genomes Project 0.00020; ExAC 0.00028; gnomAD exomes 0.00028 and 0.00049; gnomAD 0.00035 and 0.00036; ESP Exome Variant Server 0.00038.
gnomAD v4.1: 748 of 1,611,340 alleles (0.046%); highest among the groups gnomAD compares: Non-Finnish European, 0.061%; no homozygotes.

Submissions (5):

Labcorp Genetics (formerly Invitae), Labcorp
Classification: Uncertain significance. Last evaluated: 2025-11-26. Review status: criteria provided, single submitter. Criteria: Invitae Variant Classification Sherloc (09022015). Collection method: clinical testing. Allele origin: germline.
Comment: This sequence change replaces alanine, which is neutral and non-polar, with threonine, which is neutral and polar, at codon 81 of the CD151 protein (p.Ala81Thr). This variant is present in population databases (rs141569440, gnomAD 0.05%), and has an allele count higher than expected for a pathogenic variant. This variant has not been reported in the literature in individuals affected with CD151-related conditions. ClinVar contains an entry for this variant (Variation ID: 1428000). An algorithm developed to predict the effect of missense changes on protein structure and function (PolyPhen-2) suggests that this variant is likely to be disruptive. In summary, the available evidence is currently insufficient to determine the role of this variant in disease. Therefore, it has been classified as a Variant of Uncertain Significance.

Ambry Genetics
Classification: Uncertain significance for Inborn genetic diseases. Last evaluated: 2024-04-12. Review status: criteria provided, single submitter. Criteria: Ambry Variant Classification Scheme 2023. Collection method: clinical testing. Allele origin: germline.

Fulgent Genetics
Classification: Uncertain significance for RAPH BLOOD GROUP SYSTEM; Epidermolysis bullosa simplex 7, with nephropathy and deafness. Last evaluated: 2023-12-24. Review status: criteria provided, single submitter. Criteria: ACMG Guidelines, 2015. Collection method: clinical testing. Allele origin: germline.

Revvity Omics, Revvity
Classification: Uncertain significance. Last evaluated: 2022-07-29. Review status: criteria provided, single submitter. Criteria: ACMG Guidelines, 2015. Collection method: clinical testing. Allele origin: germline.

CeGaT Center for Human Genetics Tuebingen
Classification: Uncertain significance. Last evaluated: 2022-06-01. Review status: criteria provided, single submitter. Criteria: CeGaT Center For Human Genetics Tuebingen Variant Classification Criteria Version 2. Collection method: clinical testing. Allele origin: germline. Affected: yes. Observed: 1 variant allele.
Comment: CD151: PP3

NM_004357.5(CD151):c.241G>A (p.Ala81Thr)

Gene: CD151 (CD151 molecule (Raph blood group); plus strand). Cytogenetic location: 11p15.5.
Variant type: single nucleotide variant.
Coding change: c.241G>A on transcript NM_004357.5 (MANE Select); coding-DNA position 241, G replaced by A.
Protein change: p.Ala81Thr; replaces alanine 81 with threonine.
Molecular consequence: missense variant.
Genome position (GRCh38, 1-based): chr11:836,407, G>A. VCF-style: chr11-836407-G-A. GRCh37 (hg19) VCF-style: chr11-836407-G-A.
Other names: c.241G>A, p.Ala81Thr (NM_001039490.2, NM_139029.2, NM_139030.4); c.241G>A (NM_004357.4); short protein forms A81T.
Identifiers: ClinVar variation 1428000 (VCV001428000.36), dbSNP rs141569440, ClinGen allele CA5792098.
Genomic context (GRCh38, chr11:836,407, plus strand): 5'-GCCTACATCCTGGTGGTGGCGGGCACTGTCGTCATGGTGACTGGGGTCTTGGGCTGCTGC[G>A]CCACCTTCAAGGAGCGTCGGAACCTGCTGCGCCTGGTCAGGAGGGCGCAGGGCCACGGGG-3'
Protein context (NP_004348.2, residues 71-91): VMVTGVLGCC[Ala81Thr]TFKERRNLLR